The following is an entry in ClinVar:

ClinVar aggregate classification (germline): Pathogenic/Likely pathogenic. Review status: criteria provided, multiple submitters, no conflicts (2 of 4 stars). 2 submissions from 2 submitters: Pathogenic (1); Likely pathogenic (1). Last evaluated 2023-09-08.

Submissions (2):

Revvity Omics, Revvity
Classification: Likely pathogenic. Last evaluated: 2023-09-08. Review status: criteria provided, single submitter. Criteria: ACMG Guidelines, 2015. Collection method: clinical testing. Allele origin: germline.

Labcorp Genetics (formerly Invitae), Labcorp
Classification: Pathogenic. Last evaluated: 2023-08-09. Review status: criteria provided, single submitter. Criteria: Invitae Variant Classification Sherloc (09022015). Collection method: clinical testing. Allele origin: germline.
Comment: This sequence change creates a premature translational stop signal (p.Ile612Profs*10) in the SPTB gene. It is expected to result in an absent or disrupted protein product. Loss-of-function variants in SPTB are known to be pathogenic (PMID: 1391962, 1498324, 8844207, 26830532, 27292444). This variant is not present in population databases (gnomAD no frequency). This variant has not been reported in the literature in individuals affected with SPTB-related conditions. For these reasons, this variant has been classified as Pathogenic.

Literature cited by the submitters: PubMed 1391962 (cited by Labcorp Genetics (formerly Invitae), Labcorp); PubMed 1498324 (cited by Labcorp Genetics (formerly Invitae), Labcorp); PubMed 8844207 (cited by Labcorp Genetics (formerly Invitae), Labcorp); PubMed 26830532 (cited by Labcorp Genetics (formerly Invitae), Labcorp); PubMed 27292444 (cited by Labcorp Genetics (formerly Invitae), Labcorp).

NM_001355436.2(SPTB):c.1829_1832dup (p.Ile612fs)

Gene: SPTB (spectrin beta, erythrocytic; minus strand). Cytogenetic location: 14q23.3.
Variant type: Duplication.
Coding change: c.1829_1832dup on transcript NM_001355436.2 (MANE Select); coding-DNA positions 1829 to 1832, 4 bases duplicated (ACCG; older notation c.1829_1832dupACCG).
Protein change: p.Ile612fs; shifts the reading frame from isoleucine 612.
Molecular consequence: frameshift variant.
Genome position (GRCh38, 1-based): chr14:64,793,831-64,793,834, CGGT duplicated on the plus strand (ACCG on the coding strand, the reverse complement: SPTB is on the minus strand); duplicating any 4 consecutive bases within chr14:64,793,831-64,793,835 gives the same sequence; the c. name uses the placement nearest the transcript's 3' end. VCF-style (leftmost placement, unchanged base first): chr14-64793830-G-GCGGT. GRCh37 (hg19) VCF-style: chr14-65260548-G-GCGGT.
Other names: c.1829_1832dup, p.Ile612fs (NM_001024858.4, NM_001355437.2); short protein forms I612fs.
Identifiers: ClinVar variation 2751441 (VCV002751441.4), dbSNP rs2503163092, ClinGen allele CA2697553963.